The following is an entry in ClinVar:

NM_001330260.2(SCN8A):c.2150G>C (p.Arg717Thr)

Gene: SCN8A (sodium voltage-gated channel alpha subunit 8; plus strand). Cytogenetic location: 12q13.13.
Variant type: single nucleotide variant.
Coding change: c.2150G>C on transcript NM_001330260.2 (MANE Select); coding-DNA position 2150, G replaced by C.
Protein change: p.Arg717Thr; replaces arginine 717 with threonine.
Molecular consequence: missense variant.
Genome position (GRCh38, 1-based): chr12:51,751,373, G>C. VCF-style: chr12-51751373-G-C. GRCh37 (hg19) VCF-style: chr12-52145157-G-C.
Other names: c.2150G>C, p.Arg717Thr (NM_001177984.3, NM_001369788.1, NM_014191.4); short protein forms R717T.
Identifiers: ClinVar variation 5005128 (VCV005005128.2).
Genomic context (GRCh38, chr12:51,751,373, plus strand): 5'-TTGCTGTGATTGAGGGGCCATCTTTGTTCTTACTTACTGTAGAACTGGAAGAGTCTCAGA[G>C]AAAGTGCCCGCCATGCTGGTATAAATTTGCCAACACTTTCCTCATCTGGGAGTGCCACCC-3'
Protein context (NP_001317189.1, residues 707-727): TLVEELEESQ[Arg717Thr]KCPPCWYKFA

ClinVar aggregate classification (germline): Uncertain significance (1 of 4 stars; one submission).

Conditions:
Seizures, benign familial infantile, 5 (BFIS5). Also called: CONVULSIONS, BENIGN FAMILIAL INFANTILE, 5. Identifiers: Orphanet 306, MedGen C4310728, MONDO:0014903, OMIM 617080.
Cognitive impairment with or without cerebellar ataxia (CIAT). Identifiers: MedGen C3280415, MONDO:0013680, OMIM 614306.
Developmental and epileptic encephalopathy, 13 (DEE13). Also called: Early infantile epileptic encephalopathy 13; SCN8A-Related Epilepsy; Developmental and Epileptic Encephalopathy (SCN8A-DEE). Identifiers: Orphanet 442835, MedGen C3281191, MONDO:0013801, OMIM 614558.
Myoclonus, familial, 2. Identifiers: MedGen C5193056, MONDO:0100092, OMIM 618364.

Submission:

Juno Genomics, Hangzhou Juno Genomics, Inc
Classification: Uncertain significance for Myoclonus, familial, 2; Cognitive impairment with or without cerebellar ataxia; Developmental and epileptic encephalopathy, 13; Seizures, benign familial infantile, 5. Review status: criteria provided, single submitter. Criteria: ACMG Guidelines, 2015. Collection method: clinical testing. Allele origin: germline.
Comment: Missense variant in a gene that has a low rate of benign missense variation.;Multiple lines of computational evidence support a deleterious effect on the gene or gene product.;Absent from controls (or at extremely low frequency if recessive) in Genome Aggregation Database.